The following is an entry in ClinVar:

NM_001127453.2(GSDME):c.1355T>C (p.Phe452Ser)

Gene: GSDME (gasdermin E; minus strand). Cytogenetic location: 7p15.3.
Variant type: single nucleotide variant.
Coding change: c.1355T>C on transcript NM_001127453.2 (MANE Select); coding-DNA position 1355, T replaced by C.
Protein change: p.Phe452Ser; replaces phenylalanine 452 with serine.
Molecular consequence: missense variant.
Genome position (GRCh38, 1-based): chr7:24,699,162, A>G on the plus strand (T>C on the coding strand, the complement: GSDME is on the minus strand). VCF-style: chr7-24699162-A-G. GRCh37 (hg19) VCF-style: chr7-24738781-A-G.
Other names: c.863T>C, p.Phe288Ser (NM_001127454.2); c.1355T>C, p.Phe452Ser (NM_004403.3); short protein forms F452S, F288S.
Identifiers: ClinVar variation 163031 (VCV000163031.4), dbSNP rs727502953, ClinGen allele CA175629.

ClinVar aggregate classification (germline): Uncertain significance (1 of 4 stars; one submission).

Allele frequency attached by ClinVar (database versions not stated): gnomAD exomes below 0.00001; TOPMed 0.00002.
gnomAD v4.1: 1 of 1,614,214 alleles (0.000062%); highest among the groups gnomAD compares: Non-Finnish European, 0.000085%; no homozygotes.

Submission:

Laboratory for Molecular Medicine, Mass General Brigham Personalized Medicine
Classification: Uncertain significance. Last evaluated: 2013-08-28. Review status: criteria provided, single submitter. Criteria: LMM Criteria. Collection method: clinical testing. Allele origin: germline. Observed: 1 variant allele.
Comment: The Phe452Ser variant in DFNA5 has not been reported in individuals with hearing loss or in large population studies. Computational analyses (biochemical amino acid properties, conservation, AlignGVGD, PolyPhen2, and SIFT) do not provide st rong support for or against an impact to the protein. In summary, additional inf ormation is needed to fully assess the clinical significance of the Phe452Ser va riant.